The following is an entry in ClinVar:

ClinVar aggregate classification (germline): Uncertain significance. Review status: criteria provided, multiple submitters, no conflicts (2 of 4 stars). 2 submissions from 2 submitters: Uncertain significance (2). Last evaluated 2025-12-26.

Conditions:
Inborn genetic diseases. Identifiers: MedGen C0950123, MeSH D030342.

Allele frequency attached by ClinVar (database versions not stated): gnomAD exomes 0.00001; TOPMed 0.00001; gnomAD 0.00003.
gnomAD v4.1: 18 of 1,614,212 alleles (0.0011%); highest among the groups gnomAD compares: Middle Eastern, 0.016%; no homozygotes.

Submissions (2):

Labcorp Genetics (formerly Invitae), Labcorp
Classification: Uncertain significance. Last evaluated: 2025-12-26. Review status: criteria provided, single submitter. Criteria: Invitae Variant Classification Sherloc (09022015). Collection method: clinical testing. Allele origin: germline.
Comment: This sequence change replaces arginine, which is basic and polar, with tryptophan, which is neutral and slightly polar, at codon 836 of the CSF2RB protein (p.Arg836Trp). This variant is present in population databases (rs772161941, gnomAD 0.01%). This variant has not been reported in the literature in individuals affected with CSF2RB-related conditions. ClinVar contains an entry for this variant (Variation ID: 1429608). Invitae Evidence Modeling of protein sequence and biophysical properties (such as structural, functional, and spatial information, amino acid conservation, physicochemical variation, residue mobility, and thermodynamic stability) indicates that this missense variant is not expected to disrupt CSF2RB protein function with a negative predictive value of 80%. In summary, the available evidence is currently insufficient to determine the role of this variant in disease. Therefore, it has been classified as a Variant of Uncertain Significance.

Ambry Genetics
Classification: Uncertain significance for Inborn genetic diseases. Last evaluated: 2025-01-24. Review status: criteria provided, single submitter. Criteria: Ambry Variant Classification Scheme 2023. Collection method: clinical testing. Allele origin: germline.

NM_000395.3(CSF2RB):c.2506C>T (p.Arg836Trp)

Gene: CSF2RB (colony stimulating factor 2 receptor subunit beta; plus strand). Cytogenetic location: 22q12.3.
Variant type: single nucleotide variant.
Coding change: c.2506C>T on transcript NM_000395.3 (MANE Select); coding-DNA position 2506, C replaced by T.
Protein change: p.Arg836Trp; replaces arginine 836 with tryptophan.
Molecular consequence: missense variant.
Genome position (GRCh38, 1-based): chr22:36,938,314, C>T. VCF-style: chr22-36938314-C-T. GRCh37 (hg19) VCF-style: chr22-37334356-C-T.
Other names: c.2506C>T (NM_000395.2); short protein forms R836W.
Identifiers: ClinVar variation 1429608 (VCV001429608.7), dbSNP rs772161941, ClinGen allele CA10214142.